The following is an entry in ClinVar:

ClinVar aggregate classification (germline): Uncertain significance (1 of 4 stars; one submission).

Conditions:
Deficiency of phosphoserine phosphatase (PSPHD). Also called: Phosphoserine phosphatase deficiency; PSPH deficiency. Identifiers: Orphanet 79350, MedGen C1291463, MONDO:0013531, OMIM 614023.

Submission:

Labcorp Genetics (formerly Invitae), Labcorp
Classification: Uncertain significance for Deficiency of phosphoserine phosphatase. Last evaluated: 2022-05-17. Review status: criteria provided, single submitter. Criteria: Invitae Variant Classification Sherloc (09022015). Collection method: clinical testing. Allele origin: germline.
Comment: Algorithms developed to predict the effect of missense changes on protein structure and function are either unavailable or do not agree on the potential impact of this missense change (SIFT: "Tolerated"; PolyPhen-2: "Probably Damaging"; Align-GVGD: "Class C0"). In summary, the available evidence is currently insufficient to determine the role of this variant in disease. Therefore, it has been classified as a Variant of Uncertain Significance. This variant has not been reported in the literature in individuals affected with PSPH-related conditions. This variant is not present in population databases (gnomAD no frequency). This sequence change replaces arginine, which is basic and polar, with serine, which is neutral and polar, at codon 134 of the PSPH protein (p.Arg134Ser).

NM_004577.4(PSPH):c.402G>T (p.Arg134Ser)

Gene: PSPH (phosphoserine phosphatase; minus strand). Cytogenetic location: 7p11.2.
Variant type: single nucleotide variant.
Coding change: c.402G>T on transcript NM_004577.4 (MANE Select); coding-DNA position 402, G replaced by T.
Protein change: p.Arg134Ser; replaces arginine 134 with serine.
Molecular consequence: missense variant.
Genome position (GRCh38, 1-based): chr7:56,017,253, C>A on the plus strand (G>T on the coding strand, the complement: PSPH is on the minus strand). VCF-style: chr7-56017253-C-A. GRCh37 (hg19) VCF-style: chr7-56084946-C-A.
Other names: c.402G>T, p.Arg134Ser (NM_001370503.1, NM_001370504.1, NM_001370505.1 and 17 more transcripts); short protein forms R134S.
Identifiers: ClinVar variation 1994878 (VCV001994878.4), dbSNP rs2534871142, ClinGen allele CA367595940.